The following is an entry in ClinVar:

ClinVar aggregate classification (germline): Pathogenic/Likely pathogenic. Review status: criteria provided, multiple submitters, no conflicts (2 of 4 stars). 2 submissions from 2 submitters: Pathogenic (1); Likely pathogenic (1). Last evaluated 2023-12-01.

Conditions:
Arrhythmogenic cardiomyopathy with wooly hair and keratoderma. Also called: Dilated cardiomyopathy with woolly hair and keratoderma; Carvajal syndrome; Arrhythmogenic cardiomyopathy with woolly hair and keratoderma; PALMOPLANTAR KERATODERMA WITH LEFT VENTRICULAR CARDIOMYOPATHY AND WOOLLY HAIR. Identifiers: Orphanet 65282, MedGen C1854063, MONDO:0011581, OMIM 605676.
Arrhythmogenic right ventricular dysplasia 8 (ARVD8). Also called: ARRHYTHMOGENIC RIGHT VENTRICULAR DYSPLASIA, FAMILIAL, 8; ARRHYTHMOGENIC RIGHT VENTRICULAR CARDIOMYOPATHY 8; Arrhythmogenic Right Ventricular Dysplasia/Cardiomyopathy 8. Identifiers: MedGen C1843896, MONDO:0011831, OMIM 607450.
DSP-related disorder. Also called: DSP-related disorders; DSP-related condition.

Submissions (2):

Blueprint Genetics
Classification: Likely pathogenic for DSP-related disorders. Last evaluated: 2023-12-01. Review status: criteria provided, single submitter. Criteria: ACMG Guidelines, 2015. Collection method: clinical testing. Allele origin: germline. Affected: yes. Observed: 2 variant alleles.

Labcorp Genetics (formerly Invitae), Labcorp
Classification: Pathogenic for Arrhythmogenic cardiomyopathy with wooly hair and keratoderma; Arrhythmogenic right ventricular dysplasia 8. Last evaluated: 2023-04-10. Review status: criteria provided, single submitter. Criteria: Invitae Variant Classification Sherloc (09022015). Collection method: clinical testing. Allele origin: germline.
Comment: This variant has not been reported in the literature in individuals affected with DSP-related conditions. This variant is not present in population databases (gnomAD no frequency). This sequence change creates a premature translational stop signal (p.Lys1331*) in the DSP gene. It is expected to result in an absent or disrupted protein product. Loss-of-function variants in DSP are known to be pathogenic (PMID: 20716751, 24503780, 25227139). For these reasons, this variant has been classified as Pathogenic.

Literature cited by the submitters: PubMed 20716751 (cited by Labcorp Genetics (formerly Invitae), Labcorp); PubMed 24503780 (cited by Labcorp Genetics (formerly Invitae), Labcorp); PubMed 25227139 (cited by Labcorp Genetics (formerly Invitae), Labcorp).

NM_004415.4(DSP):c.3991_3995del (p.Leu1330_Lys1331insTer)

Gene: DSP (desmoplakin; plus strand). Cytogenetic location: 6p24.3.
Variant type: Deletion.
Coding change: c.3991_3995del on transcript NM_004415.4 (MANE Select); coding-DNA positions 3991 to 3995, 5 bases deleted (AAAGC; older notation c.3991_3995delAAAGC).
Protein change: p.Leu1330_Lys1331insTer.
Molecular consequence: nonsense. On other transcripts: intron variant (1).
Genome position (GRCh38, 1-based): chr6:7,580,181-7,580,185, AAAGC deleted; deleting any 5 consecutive bases within chr6:7,580,180-7,580,185 gives the same sequence; the c. name uses the placement nearest the transcript's 3' end. VCF-style (leftmost placement, unchanged base first): chr6-7580179-TCAAAG-T. GRCh37 (hg19) VCF-style: chr6-7580412-TCAAAG-T.
Other names: c.3991_3995del, p.Leu1330_Lys1331insTer (NM_001319034.2); c.3582+409_3582+413del (NM_001008844.3).
Identifiers: ClinVar variation 2945521 (VCV002945521.4), dbSNP rs2533926973, ClinGen allele CA2582343012.
Genomic context (GRCh38, chr6:7,580,179, plus strand): 5'-AGCAGTCCCTGGAGGAGGCTGCCAAGACCATTCAGGACAAAAATAAGGAGATCGAGAGAC[TCAAAG>T]CTGAGTTTCAGGAGGAGGCCAAGCGCCGCTGGGAATATGAAAATGAACTGAGTAAGGTAA-3'